The following is an entry in ClinVar:

NM_000059.4(BRCA2):c.589T>C (p.Ser197Pro)

Gene: BRCA2 (BRCA2 DNA repair associated; plus strand). Cytogenetic location: 13q13.1.
Variant type: single nucleotide variant.
Coding change: c.589T>C on transcript NM_000059.4 (MANE Select); coding-DNA position 589, T replaced by C.
Protein change: p.Ser197Pro; replaces serine 197 with proline.
Molecular consequence: missense variant.
Genome position (GRCh38, 1-based): chr13:32,326,571, T>C. VCF-style: chr13-32326571-T-C. GRCh37 (hg19) VCF-style: chr13-32900708-T-C.
Other names: short protein forms S197P.
Identifiers: ClinVar variation 584841 (VCV000584841.17), dbSNP rs730881505, ClinGen allele CA387758136.

ClinVar aggregate classification (germline): Uncertain significance. Review status: criteria provided, multiple submitters, no conflicts (2 of 4 stars). 3 submissions from 3 submitters: Uncertain significance (3). Last evaluated 2022-04-06.

Conditions:
Hereditary breast ovarian cancer syndrome. Also called: Hereditary breast and ovarian cancer syndrome (HBOC); Breast and ovarian cancer; Hereditary breast and ovarian cancer syndrome; Hereditary breast and ovarian cancer; BRCA1- and BRCA2-Associated Hereditary Breast and Ovarian Cancer; Hereditary breast and/or ovarian cancer syndrome. Identifiers: Orphanet 145, MedGen C0677776, MeSH D061325, MONDO:0003582. Disease mechanism: loss of function.
Hereditary cancer-predisposing syndrome. Also called: Neoplastic Syndromes, Hereditary; Hereditary Cancer Syndrome; Tumor predisposition; Hereditary neoplastic syndrome. Identifiers: Orphanet 140162, MedGen C0027672, MeSH D009386, MONDO:0015356.
Breast-ovarian cancer, familial, susceptibility to, 2 (BROVCA2). Also called: BRCA2 Hereditary Breast and Ovarian Cancer. Identifiers: Orphanet 145, MedGen C2675520, MONDO:0012933, OMIM 612555. Disease mechanism: loss of function.

Submissions (3):

Labcorp Genetics (formerly Invitae), Labcorp
Classification: Uncertain significance for Hereditary breast ovarian cancer syndrome. Last evaluated: 2022-04-06. Review status: criteria provided, single submitter. Criteria: Invitae Variant Classification Sherloc (09022015). Collection method: clinical testing. Allele origin: germline.
Comment: In summary, the available evidence is currently insufficient to determine the role of this variant in disease. Therefore, it has been classified as a Variant of Uncertain Significance. Advanced modeling of protein sequence and biophysical properties (such as structural, functional, and spatial information, amino acid conservation, physicochemical variation, residue mobility, and thermodynamic stability) performed at Invitae indicates that this missense variant is not expected to disrupt BRCA2 protein function. ClinVar contains an entry for this variant (Variation ID: 584841). This variant has not been reported in the literature in individuals affected with BRCA2-related conditions. This variant is not present in population databases (gnomAD no frequency). This sequence change replaces serine, which is neutral and polar, with proline, which is neutral and non-polar, at codon 197 of the BRCA2 protein (p.Ser197Pro).

Ambry Genetics
Classification: Uncertain significance for Hereditary cancer-predisposing syndrome. Last evaluated: 2019-10-17. Review status: criteria provided, single submitter. Criteria: Ambry Variant Classification Scheme 2023. Collection method: clinical testing. Allele origin: germline.
Comment: The p.S197P variant (also known as c.589T>C), located in coding exon 6 of the BRCA2 gene, results from a T to C substitution at nucleotide position 589. The serine at codon 197 is replaced by proline, an amino acid with similar properties. This amino acid position is highly conserved in available vertebrate species. In addition, this alteration is predicted to be tolerated by in silico analysis. Since supporting evidence is limited at this time, the clinical significance of this alteration remains unclear.

Mendelics
Classification: Uncertain significance for Breast-ovarian cancer, familial, susceptibility to, 2. Last evaluated: 2019-05-28. Review status: criteria provided, single submitter. Criteria: Mendelics Assertion Criteria 2017. Collection method: clinical testing. Allele origin: unknown.